The following is an entry in ClinVar:

ClinVar aggregate classification (germline): Uncertain significance. Review status: criteria provided, multiple submitters, no conflicts (2 of 4 stars). 2 submissions from 2 submitters: Uncertain significance (2). Last evaluated 2026-01-26.

Conditions:
Hereditary cancer-predisposing syndrome. Also called: Tumor predisposition; Neoplastic Syndromes, Hereditary; Hereditary Cancer Syndrome; Hereditary neoplastic syndrome. Identifiers: Orphanet 140162, MedGen C0027672, MeSH D009386, MONDO:0015356.
Ataxia-telangiectasia syndrome (AT). Also called: ATAXIA-TELANGIECTASIA, COMPLEMENTATION GROUP A; ATAXIA-TELANGIECTASIA, FRESNO VARIANT; Ataxia-telangiectasia; Ataxia-telangiectasia, complementation group D; AT, COMPLEMENTATION GROUP C; Ataxia-telangiectasia, complementation group E. Identifiers: Orphanet 100, MedGen C0004135, MONDO:0008840, OMIM 208900.

Allele frequency attached by ClinVar (database versions not stated): gnomAD exomes below 0.00001.
gnomAD v4.1: 2 of 1,614,210 alleles (0.00012%); highest among the groups gnomAD compares: South Asian, 0.0022%; no homozygotes.

Submissions (2):

Labcorp Genetics (formerly Invitae), Labcorp
Classification: Uncertain significance for Ataxia-telangiectasia syndrome. Last evaluated: 2026-01-26. Review status: criteria provided, single submitter. Criteria: Invitae Variant Classification Sherloc (09022015). Collection method: clinical testing. Allele origin: germline.
Comment: This sequence change replaces leucine, which is neutral and non-polar, with histidine, which is basic and polar, at codon 2173 of the ATM protein (p.Leu2173His). This variant is present in population databases (no rsID available, gnomAD 0.003%). This variant has not been reported in the literature in individuals affected with ATM-related conditions. ClinVar contains an entry for this variant (Variation ID: 862643). Invitae Evidence Modeling of protein sequence and biophysical properties (such as structural, functional, and spatial information, amino acid conservation, physicochemical variation, residue mobility, and thermodynamic stability) indicates that this missense variant is expected to disrupt ATM protein function with a positive predictive value of 95%. In summary, the available evidence is currently insufficient to determine the role of this variant in disease. Therefore, it has been classified as a Variant of Uncertain Significance.

Ambry Genetics
Classification: Uncertain significance for Hereditary cancer-predisposing syndrome. Last evaluated: 2025-12-16. Review status: criteria provided, single submitter. Criteria: Ambry Variant Classification Scheme 2023. Collection method: clinical testing. Allele origin: germline.
Comment: The p.L2173H variant (also known as c.6518T>A), located in coding exon 44 of the ATM gene, results from a T to A substitution at nucleotide position 6518. The leucine at codon 2173 is replaced by histidine, an amino acid with similar properties. This amino acid position is highly conserved in available vertebrate species. In addition, this alteration is predicted to be deleterious by in silico analysis. Based on the available evidence, the clinical significance of this variant remains unclear.

NM_000051.4(ATM):c.6518T>A (p.Leu2173His)

Genes: ATM (ATM serine/threonine kinase; plus strand), C11orf65 (chromosome 11 open reading frame 65; minus strand). Cytogenetic location: 11q22.3.
Variant type: single nucleotide variant.
Coding change: c.6518T>A on transcript NM_000051.4 (MANE Select); coding-DNA position 6518, T replaced by A.
Protein change: p.Leu2173His; replaces leucine 2173 with histidine.
Molecular consequence: missense variant. On other transcripts: intron variant (2).
Genome position (GRCh38, 1-based): chr11:108,321,366, T>A. VCF-style: chr11-108321366-T-A. GRCh37 (hg19) VCF-style: chr11-108192093-T-A.
Other names: c.6518T>A, p.Leu2173His (NM_001351834.2); c.641-12295A>T (NM_001330368.2); c.*39-12295A>T (NM_001351110.2); short protein forms L2173H.
Identifiers: ClinVar variation 862643 (VCV000862643.10), dbSNP rs1173542225, ClinGen allele CA382554158.